The following is an entry in ClinVar:

ClinVar aggregate classification (germline): Pathogenic (1 of 4 stars; one submission).

Conditions:
Neuronopathy, distal hereditary motor, autosomal recessive 4. Also called: NEUROPATHY, DISTAL HEREDITARY MOTOR, AUTOSOMAL RECESSIVE 4; Autosomal recessive lower motor neuron disease with childhood onset. Identifiers: Orphanet 206580, MedGen C1970211, MONDO:0012608, OMIM 611067.
Charcot-Marie-Tooth disease recessive intermediate C. Also called: CHARCOT-MARIE-TOOTH NEUROPATHY, RECESSIVE INTERMEDIATE C. Identifiers: Orphanet 369867, MedGen C3809309, MONDO:0014154, OMIM 615376.

Submission:

Labcorp Genetics (formerly Invitae), Labcorp
Classification: Pathogenic for Neuronopathy, distal hereditary motor, autosomal recessive 4; Charcot-Marie-Tooth disease recessive intermediate C. Last evaluated: 2019-05-30. Review status: criteria provided, single submitter. Criteria: Invitae Variant Classification Sherloc (09022015). Collection method: clinical testing. Allele origin: germline.
Comment: This variant is a gross deletion of the genomic region encompassing exons 2-7 of the PLEKHG5 gene, which includes the initiator codon. The 5' end of this event is unknown as it extends beyond the assayed region for this gene and therefore may encompass additional genes. The 3' boundary is likely confined to intron 7 of the PLEKHG5 gene. This is expected to result in an absent or disrupted protein product. This variant has not been reported in the literature in individuals with PLEKHG5-related conditions. Loss-of-function variants in PLEKHG5 are known to be pathogenic (PMID: 17564964, 23777631). For these reasons, this variant has been classified as Pathogenic.

Literature cited by the submitters: PubMed 17564964; PubMed 23777631.

NC_000001.11:g.(?_6474003)_(6477668_?)del

Gene: PLEKHG5 (pleckstrin homology and RhoGEF domain containing G5; minus strand). Cytogenetic location: 1p36.31.
Variant type: Deletion.
Identifiers: ClinVar variation 832925 (VCV000832925.7).